The following is an entry in ClinVar:

ClinVar aggregate classification (germline): Uncertain significance (1 of 4 stars; one submission).

Conditions:
Primary ciliary dyskinesia 5. Also called: CILIARY DYSKINESIA, PRIMARY, 5, WITHOUT SITUS INVERSUS. Identifiers: Orphanet 244, MedGen C1837615, MONDO:0012088, OMIM 608647.

Allele frequency attached by ClinVar (database versions not stated): gnomAD 0.00001; gnomAD exomes 0.00001.
gnomAD v4.1: 20 of 1,611,646 alleles (0.0012%); highest among the groups gnomAD compares: Middle Eastern, 0.033%; no homozygotes.

Submission:

Neuberg Centre For Genomic Medicine, NCGM
Classification: Uncertain significance for Primary ciliary dyskinesia 5. Review status: criteria provided, single submitter. Criteria: ACMG Guidelines, 2015. Collection method: clinical testing. Allele origin: germline. Inheritance: Autosomal recessive inheritance. Affected: yes.
Comment: The missense c.11695G>A (p.Val3899Met) variant in the HYDIN gene has not been reported previously as a pathogenic variant nor as a benign variant, to our knowledge. This variant is reported with the allele frequency (0.0008%) in the gnomAD Exomes. This variant has been reported to the ClinVar database as Uncertain Significance. However, no details are available for independent assessment. The amino acid Valine at position 3899 is changed to a Methionine changing protein sequence and it might alter its composition and physico-chemical properties. The amino acid change p.Val3899Met in HYDIN is predicted as conserved by GERP++ and PhyloP across 100 vertebrates. For these reasons, this variant has been classified as Uncertain Significance.

NM_001270974.2(HYDIN):c.11695G>A (p.Val3899Met)

Gene: HYDIN (HYDIN axonemal central pair apparatus protein; minus strand). Cytogenetic location: 16q22.2.
Variant type: single nucleotide variant.
Coding change: c.11695G>A on transcript NM_001270974.2 (MANE Select); coding-DNA position 11695, G replaced by A.
Protein change: p.Val3899Met; replaces valine 3899 with methionine.
Molecular consequence: missense variant.
Genome position (GRCh38, 1-based): chr16:70,862,130, C>T on the plus strand (G>A on the coding strand, the complement: HYDIN is on the minus strand). VCF-style: chr16-70862130-C-T. GRCh37 (hg19) VCF-style: chr16-70896033-C-T.
Other names: c.[11695G>A] (NM_001270974.2); short protein forms V3899M.
Identifiers: ClinVar variation 1339086 (VCV001339086.5), dbSNP rs1626593, ClinGen allele CA283511876.
Genomic context (GRCh38, chr16:70,862,130, plus strand): 5'-AGTCTCCAATGTCCAACGGGGAGAATTTTACTTTGAACTTCTGAATCTTCCCCACCGGCA[C>T]GATTCCCGAAGAGGGCTCCACAGAGAAGGGCTGTGGGGAACCCTCGGCCCAGTGGTCCAT-3'
Protein context (NP_001257903.1, residues 3889-3909): PFSVEPSSGI[Val3899Met]PVGKIQKFKV